The following is an entry in ClinVar:

NC_000009.11:g.(?_133943445)_(133944457_?)dup

Gene: LAMC3 (laminin subunit gamma 3; plus strand). Cytogenetic location: 9q34.12.
Variant type: Duplication.
Identifiers: ClinVar variation 1447708 (VCV001447708.4).

ClinVar aggregate classification (germline): Uncertain significance (1 of 4 stars; one submission).

Submission:

Labcorp Genetics (formerly Invitae), Labcorp
Classification: Uncertain significance. Last evaluated: 2021-08-09. Review status: criteria provided, single submitter. Criteria: Invitae Variant Classification Sherloc (09022015). Collection method: clinical testing. Allele origin: germline.
Comment: This variant results in a copy number gain of the genomic region encompassing exon(s) 15-16 of the LAMC3 gene. While the exact position of this variant cannot be determined from the data, sub-genic copy number gains are generally in tandem (PMID: 25640679). This variant is predicted to be in-frame, and likely preserves the integrity of the reading frame. This variant has not been reported in the literature in individuals affected with LAMC3-related conditions. Experimental studies and prediction algorithms are not available or were not evaluated, and the functional significance of this variant is currently unknown. In summary, the available evidence is currently insufficient to determine the role of this variant in disease. Therefore, it has been classified as a Variant of Uncertain Significance.

Literature cited by the submitters: PubMed 25640679.